The following is an entry in ClinVar:

ClinVar aggregate classification (germline): Pathogenic (1 of 4 stars; one submission).

Allele frequency attached by ClinVar (database versions not stated): gnomAD exomes below 0.00001.
gnomAD v4.1: 1 of 1,603,434 alleles (0.000062%); highest among the groups gnomAD compares: Non-Finnish European, 0.000085%; no homozygotes.

Submission:

Labcorp Genetics (formerly Invitae), Labcorp
Classification: Pathogenic. Last evaluated: 2022-10-12. Review status: criteria provided, single submitter. Criteria: Invitae Variant Classification Sherloc (09022015). Collection method: clinical testing. Allele origin: germline.
Comment: For these reasons, this variant has been classified as Pathogenic. This variant has not been reported in the literature in individuals affected with LRP2-related conditions. This variant is not present in population databases (gnomAD no frequency). This sequence change creates a premature translational stop signal (p.Gln143*) in the LRP2 gene. It is expected to result in an absent or disrupted protein product. Loss-of-function variants in LRP2 are known to be pathogenic (PMID: 17632512, 25682901).

Literature cited by the submitters: PubMed 17632512; PubMed 25682901.

NM_004525.3(LRP2):c.427C>T (p.Gln143Ter)

Gene: LRP2 (LDL receptor related protein 2; minus strand). Cytogenetic location: 2q31.1.
Variant type: single nucleotide variant.
Coding change: c.427C>T on transcript NM_004525.3 (MANE Select); coding-DNA position 427, C replaced by T.
Protein change: p.Gln143Ter; replaces glutamine 143 with a stop codon.
Molecular consequence: nonsense.
Genome position (GRCh38, 1-based): chr2:169,307,281, G>A on the plus strand (C>T on the coding strand, the complement: LRP2 is on the minus strand). VCF-style: chr2-169307281-G-A. GRCh37 (hg19) VCF-style: chr2-170163791-G-A.
Other names: short protein forms Q143*.
Identifiers: ClinVar variation 2188892 (VCV002188892.4), dbSNP rs2528617080, ClinGen allele CA349168200.